The following is an entry in ClinVar:

ClinVar aggregate classification (germline): Conflicting classifications of pathogenicity. Review status: criteria provided, conflicting classifications (1 of 4 stars). 4 submissions from 4 submitters: Pathogenic (1); Likely pathogenic (2); Uncertain significance (1). Last evaluated 2025-03-24.

Conditions:
Metaphyseal chondrodysplasia, McKusick type (CHH). Also called: Cartilage-Hair Hypoplasia (CHH); Cartilage-hair hypoplasia. Identifiers: Orphanet 175, MedGen C0220748, MONDO:0009595, OMIM 250250.
Anauxetic dysplasia. Identifiers: Orphanet 93347, MedGen C1846796, MONDO:0011773.

Submissions (4):

Natera, Inc.
Classification: Likely pathogenic for Cartilage-hair hypoplasia. Last evaluated: 2025-03-24. Review status: criteria provided, single submitter. Criteria: Natera Variant Classification Schema (03/2026). Collection method: clinical testing. Allele origin: germline.
Comment: The n.-15_-8dupTGAAGCTG variant in RMRP is a duplication affecting the RMRP promoter region between the TATA box and the transcription initiation site. Other duplications and insertions just upstream of the transcription initiation site have been reported in individuals affected with cartilage-hair hypoplasia (PMID: 11207361, 17937437). This variant is rare in the general population with a frequency below the threshold expected for the associated phenotype(s). Given the available evidence, this variant is classified as Likely pathogenic.

Labcorp Genetics (formerly Invitae), Labcorp
Classification: Pathogenic for Anauxetic dysplasia. Last evaluated: 2024-11-05. Review status: criteria provided, single submitter. Criteria: Invitae Variant Classification Sherloc (09022015). Collection method: clinical testing. Allele origin: germline.
Comment: This variant occurs in the RMRP gene, which encodes an RNA molecule that does not result in a protein product. This variant is present in population databases (no rsID available, gnomAD 0.03%). While this particular variant has not been reported in the literature, it is located in the promoter region between the TATA box and the transcription initiation site, and other insertions and duplications immediately upstream of the coding sequence have been reported in individuals affected with cartilage-hair hypoplasia-anauxetic dysplasia (CHH-AD) spectrum disorders (PMID: 16244706, 11207361, 12107819). ClinVar contains an entry for this variant (Variation ID: 664682). Algorithms developed to predict the effect of variants on gene product structure and function are not available or were not evaluated for this variant. While functional studies for this variant have not been reported, experimental analyses using patient derived cells, as well as in vitro transfection studies, have shown that promoter insertions result in silencing of RMRP transcription and reduced expression of the gene product (PMID: 11207361, 16254002). For these reasons, this variant has been classified as Pathogenic.

GeneDx
Classification: Uncertain significance. Last evaluated: 2024-10-28. Review status: criteria provided, single submitter. Criteria: GeneDx Variant Classification Process June 2021. Collection method: clinical testing. Allele origin: germline. Affected: yes.
Comment: Duplication, triplication, and insertion variants in the promoter region reduce RNA expression (PMID: 21146796, 11207361); Has not been previously published as pathogenic or benign to our knowledge; Also known as n.-15_-8dup; This variant is associated with the following publications: (PMID: 21146796, 11207361)

Women's Health and Genetics/Laboratory Corporation of America, LabCorp
Classification: Likely pathogenic for Metaphyseal chondrodysplasia, McKusick type. Last evaluated: 2022-01-12. Review status: criteria provided, single submitter. Criteria: LabCorp Variant Classification Summary - May 2015. Collection method: clinical testing. Allele origin: germline.
Comment: Variant summary: RMRP n.-15_-8dupTGAAGCTG involves the duplication of 8 nucleotides in the promoter region of the RMRP gene which is located between the TATA box (at position -33 to -25) and the transcription initiation site (at +1). Other insertions or duplications in the promoter region of RMRP have been classified as pathogenic (internally and in ClinVar). The variant allele was found at a frequency of 3.2e-05 in 126964 control chromosomes (gnomAD). To our knowledge, no occurrence of n.-15_-8dupTGAAGCTG in individuals affected with Cartilage-Hair Hypoplasia and no experimental evidence demonstrating its impact on protein function have been reported. However, many other insertions or duplications in the promoter region of RMRP have been reported in affected individuals in the literature (e.g. PMIDs: 21956908, 21396580) and have been demonstrated through functional studies to lead to reduced RMRP transcription (e.g. PMIDs: 11207361, 16254002). A ClinVar submitter (evaluation after 2014) cites the variant as likely pathogenic. Based on the evidence outlined above, the variant was classified as likely pathogenic.

Literature cited by the submitters: PubMed 11207361 (cited by Natera, Inc. and Labcorp Genetics (formerly Invitae), Labcorp); PubMed 17937437 (cited by Natera, Inc.); PubMed 16244706 (cited by Labcorp Genetics (formerly Invitae), Labcorp); PubMed 12107819 (cited by Labcorp Genetics (formerly Invitae), Labcorp); PubMed 16254002 (cited by Labcorp Genetics (formerly Invitae), Labcorp).

NR_003051.3(RMRP):n.-15_-8dupTGAAGCTG

Gene: RMRP (RNA component of mitochondrial RNA processing endoribonuclease; minus strand). Cytogenetic location: 9p13.3.
Variant type: Duplication.
Genome position: GRCh38 VCF-style: chr9-35658025-T-TCAGCTTCA. GRCh37 (hg19) VCF-style: chr9-35658022-T-TCAGCTTCA.
Identifiers: ClinVar variation 664682 (VCV000664682.10), dbSNP rs1230629953, ClinGen allele CA587570215.
Genomic context (GRCh38, chr9:35,658,025, plus strand): 5'-GGAGGAACAGAGTCCTCAGTGTGTAGCCTAGGATACAGGCCTTCAGCACGAACCACGTCC[T>TCAGCTTCA]CAGCTTCACAGAGTAGTATTTTATAGCCCTAAAGAAATTGTGTTTTATGATTAGGGTGAG-3'